The following is an entry in ClinVar:

NM_004380.3(CREBBP):c.3310C>G (p.Gln1104Glu)

Gene: CREBBP (CREB binding lysine acetyltransferase; minus strand). Cytogenetic location: 16p13.3.
Variant type: single nucleotide variant.
Coding change: c.3310C>G on transcript NM_004380.3 (MANE Select); coding-DNA position 3310, C replaced by G.
Protein change: p.Gln1104Glu; replaces glutamine 1104 with glutamic acid.
Molecular consequence: missense variant.
Genome position (GRCh38, 1-based): chr16:3,758,913, G>C on the plus strand (C>G on the coding strand, the complement: CREBBP is on the minus strand). VCF-style: chr16-3758913-G-C. GRCh37 (hg19) VCF-style: chr16-3808914-G-C.
Other names: c.3196C>G, p.Gln1066Glu (NM_001079846.1); short protein forms Q1066E, Q1104E.
Identifiers: ClinVar variation 4975134 (VCV004975134.1).

ClinVar aggregate classification (germline): Uncertain significance (1 of 4 stars; one submission).

Submission:

GeneDx
Classification: Uncertain significance. Last evaluated: 2026-03-10. Review status: criteria provided, single submitter. Criteria: GeneDx Variant Classification Process June 2021. Collection method: clinical testing. Allele origin: germline.
Comment: Not observed at significant frequency in large population cohorts (gnomAD); In silico analysis supports that this missense variant has a deleterious effect on protein structure/function; Has not been previously published as pathogenic or benign to our knowledge